The following is an entry in ClinVar:

ClinVar aggregate classification (germline): Uncertain significance (1 of 4 stars; one submission).

Conditions:
Rhabdoid tumor predisposition syndrome 2 (RTPS2). Identifiers: Orphanet 231108, Orphanet 69077, MedGen C2750074, MONDO:0013224, OMIM 613325.

Submission:

Labcorp Genetics (formerly Invitae), Labcorp
Classification: Uncertain significance for Rhabdoid tumor predisposition syndrome 2. Last evaluated: 2019-04-01. Review status: criteria provided, single submitter. Criteria: Invitae Variant Classification Sherloc (09022015). Collection method: clinical testing. Allele origin: germline.
Comment: In summary, the available evidence is currently insufficient to determine the role of this variant in disease. Therefore, it has been classified as a Variant of Uncertain Significance. This variant has not been reported in the literature in individuals with SMARCA4-related conditions. This variant is not present in population databases (ExAC no frequency). This variant, c.2248_2249insGGG, results in the insertion of 1 amino acid(s) to the SMARCA4 protein (p.Met749_Val750insGly), but otherwise preserves the integrity of the reading frame.

NM_003072.5(SMARCA4):c.2248_2249insGGG (p.Met749_Val750insGly)

Gene: SMARCA4 (SWI/SNF related BAF chromatin remodeling complex subunit ATPase 4; plus strand). Cytogenetic location: 19p13.2.
Variant type: Insertion.
Coding change: c.2248_2249insGGG on transcript NM_003072.5 (MANE Select); coding-DNA positions 2248 to 2249, GGG inserted.
Protein change: p.Met749_Val750insGly.
Molecular consequence: inframe insertion. On other transcripts: non-coding transcript variant (1).
Genome position: GRCh38 VCF-style: chr19-11010503-T-TGGG. GRCh37 (hg19) VCF-style: chr19-11121179-T-TGGG.
Other names: c.2248_2249insGGG, p.Met749_Val750insGly (NM_001128844.3, NM_001128845.2, NM_001128846.2 and 5 more transcripts).
Identifiers: ClinVar variation 854073 (VCV000854073.9), dbSNP rs2088721909, ClinGen allele CA916083664.